The following is an entry in ClinVar:

ClinVar aggregate classification (germline): Uncertain significance (1 of 4 stars; one submission).

Conditions:
CACNA1B-related disorder. Also called: CACNA1B-related condition.

Submission:

PreventionGenetics, part of Exact Sciences
Classification: Uncertain significance for CACNA1B-related condition. Last evaluated: 2023-06-14. Review status: criteria provided, single submitter. Criteria: ACMG Guidelines, 2015. Collection method: clinical testing. Allele origin: germline.
Comment: The CACNA1B c.667C>T variant is predicted to result in the amino acid substitution p.Leu223Phe. To our knowledge, this variant has not been reported in the literature or in a large population database, indicating this variant is rare. At this time, the clinical significance of this variant is uncertain due to the absence of conclusive functional and genetic evidence.

NM_000718.4(CACNA1B):c.667C>T (p.Leu223Phe)

Gene: CACNA1B (calcium voltage-gated channel subunit alpha1 B; plus strand). Cytogenetic location: 9q34.3.
Variant type: single nucleotide variant.
Coding change: c.667C>T on transcript NM_000718.4 (MANE Select); coding-DNA position 667, C replaced by T.
Protein change: p.Leu223Phe; replaces leucine 223 with phenylalanine.
Molecular consequence: missense variant.
Genome position (GRCh38, 1-based): chr9:137,914,698, C>T. VCF-style: chr9-137914698-C-T. GRCh37 (hg19) VCF-style: chr9-140809150-C-T.
Other names: c.667C>T, p.Leu223Phe (NM_001243812.2); short protein forms L223F.
Identifiers: ClinVar variation 2632178 (VCV002632178.1), dbSNP rs2539143146, ClinGen allele CA375803669.